The following is an entry in ClinVar:

NM_003482.4(KMT2D):c.5900G>A (p.Gly1967Asp)

Gene: KMT2D (lysine methyltransferase 2D; minus strand). Cytogenetic location: 12q13.12.
Variant type: single nucleotide variant.
Coding change: c.5900G>A on transcript NM_003482.4 (MANE Select); coding-DNA position 5900, G replaced by A.
Protein change: p.Gly1967Asp; replaces glycine 1967 with aspartic acid.
Molecular consequence: missense variant.
Genome position (GRCh38, 1-based): chr12:49,042,298, C>T on the plus strand (G>A on the coding strand, the complement: KMT2D is on the minus strand). VCF-style: chr12-49042298-C-T. GRCh37 (hg19) VCF-style: chr12-49436081-C-T.
Other names: short protein forms G1967D.
Identifiers: ClinVar variation 3345718 (VCV003345718.1).

ClinVar aggregate classification (germline): Uncertain significance (0 of 4 stars; one submission).

Conditions:
KMT2D-related disorder. Also called: KMT2D-Related Disorders.

Submission:

PreventionGenetics, part of Exact Sciences
Classification: Uncertain significance for KMT2D-related condition. Last evaluated: 2024-07-27. Review status: no assertion criteria provided. Collection method: clinical testing. Allele origin: germline.
Comment: The KMT2D c.5900G>A variant is predicted to result in the amino acid substitution p.Gly1967Asp. To our knowledge, this variant has not been reported in the literature or in a large population database, indicating this variant is rare. At this time, the clinical significance of this variant is uncertain due to the absence of conclusive functional and genetic evidence.